The following is an entry in ClinVar:

NC_000012.12:g.114684339G>A

Genes: TBX3 (T-box transcription factor 3; minus strand), TBX3-AS1 (TBX3 antisense RNA 1; plus strand), LOC109286556 (TBX3 promoter region; plus strand). Cytogenetic location: 12q24.21.
Variant type: single nucleotide variant.
Genome position: GRCh38 VCF-style: chr12-114684339-G-A. GRCh37 (hg19) VCF-style: chr12-115122144-G-A.
Identifiers: ClinVar variation 5002210 (VCV005002210.1).

ClinVar aggregate classification (germline): Likely benign (1 of 4 stars; one submission).

Conditions:
TBX3-related disorder. Also called: TBX3-related condition.

Submission:

PreventionGenetics, part of Exact Sciences
Classification: Likely benign for TBX3-related condition. Last evaluated: 2025-05-27. Review status: criteria provided, single submitter. Criteria: ACMG Guidelines, 2015. Collection method: clinical testing. Allele origin: germline.
Comment: This variant is classified as likely benign based on ACMG/AMP sequence variant interpretation guidelines (Richards et al. 2015 PMID: 25741868, with internal and published modifications).